The following is an entry in ClinVar:

ClinVar aggregate classification (germline): Conflicting classifications of pathogenicity. Review status: criteria provided, conflicting classifications (1 of 4 stars). 5 submissions from 5 submitters: Uncertain significance (3); Likely benign (1). 1 of the submissions does not count toward it. Last evaluated 2026-01-28.

Conditions:
PHKB-related disorder. Also called: PHKB-related condition.
Glycogen storage disease IXb (GSD9B). Also called: GLYCOGENOSIS OF LIVER AND MUSCLE, AUTOSOMAL RECESSIVE; GSD IXb; PHOSPHORYLASE KINASE DEFICIENCY OF LIVER AND MUSCLE, AUTOSOMAL RECESSIVE. Identifiers: Orphanet 79240, MedGen C0543514, MONDO:0009868, OMIM 261750.
Inborn genetic diseases. Identifiers: MedGen C0950123, MeSH D030342.

Allele frequency attached by ClinVar (database versions not stated): gnomAD exomes 0.00011 and 0.00027; ExAC 0.00029; 1000 Genomes Project 0.00040; 1000 Genomes Project 30x 0.00047; TOPMed 0.00061; gnomAD 0.00080 and 0.00087; ESP Exome Variant Server 0.00115.
gnomAD v4.1: 309 of 1,612,344 alleles (0.019%); highest among the groups gnomAD compares: African/African-American, 0.24%; 2 homozygotes.

Submissions (5):

Labcorp Genetics (formerly Invitae), Labcorp
Classification: Likely benign for Glycogen storage disease IXb. Last evaluated: 2026-01-28. Review status: criteria provided, single submitter. Criteria: Invitae Variant Classification Sherloc (09022015). Collection method: clinical testing. Allele origin: germline.

Ambry Genetics
Classification: Uncertain significance for Inborn genetic diseases. Last evaluated: 2025-10-18. Review status: criteria provided, single submitter. Criteria: Ambry Variant Classification Scheme 2023. Collection method: clinical testing. Allele origin: germline.

GeneDx
Classification: Uncertain significance. Last evaluated: 2025-07-15. Review status: criteria provided, single submitter. Criteria: GeneDx Variant Classification Process June 2021. Collection method: clinical testing. Allele origin: germline. Affected: yes.
Comment: In silico analysis suggests that this missense variant does not alter protein structure/function; Reported along with a variant on the opposite allele (in trans) in a patient with features of glycogen storage disease in the published literature (Arumugam SK. (2022) Journal of Neonatology. 36 (2):166-168); This variant is associated with the following publications: (PMID: Arumugam SK. (2022) Journal of Neonatology. 36 (2):166-168)

Mayo Clinic Laboratories, Mayo Clinic
Classification: Uncertain significance. Last evaluated: 2023-08-02. Review status: criteria provided, single submitter. Criteria: ACMG Guidelines, 2015. Collection method: clinical testing. Allele origin: germline. Observed: 1 variant allele.
Comment: BS1

PreventionGenetics, part of Exact Sciences
Classification: Likely benign for PHKB-related condition. Last evaluated: 2024-01-30. Review status: no assertion criteria provided. Collection method: clinical testing. Allele origin: germline. Not counted in ClinVar's aggregate classification.
Comment: This variant is classified as likely benign based on ACMG/AMP sequence variant interpretation guidelines (Richards et al. 2015 PMID: 25741868, with internal and published modifications).

NM_000293.3(PHKB):c.2284G>A (p.Val762Ile)

Gene: PHKB (phosphorylase kinase regulatory subunit beta; plus strand). Cytogenetic location: 16q12.1.
Variant type: single nucleotide variant.
Coding change: c.2284G>A on transcript NM_000293.3 (MANE Select); coding-DNA position 2284, G replaced by A.
Protein change: p.Val762Ile; replaces valine 762 with isoleucine.
Molecular consequence: missense variant.
Genome position (GRCh38, 1-based): chr16:47,663,682, G>A. VCF-style: chr16-47663682-G-A. GRCh37 (hg19) VCF-style: chr16-47697593-G-A.
Other names: p.Val762Ile; c.2263G>A, p.Val755Ile (NM_001031835.3); c.2284G>A, p.Val762Ile (NM_001363837.1); c.2263G>A (NM_001031835.2); short protein forms V755I, V762I.
Identifiers: ClinVar variation 785532 (VCV000785532.16), dbSNP rs56010117, ClinGen allele CA8041141.